The following is an entry in ClinVar:

NM_000268.4(NF2):c.239A>C (p.Lys80Thr)

Gene: NF2 (NF2, moesin-ezrin-radixin like (MERLIN) tumor suppressor; plus strand). Cytogenetic location: 22q12.2.
Variant type: single nucleotide variant.
Coding change: c.239A>C on transcript NM_000268.4 (MANE Select); coding-DNA position 239, A replaced by C.
Protein change: p.Lys80Thr; replaces lysine 80 with threonine.
Molecular consequence: missense variant. On other transcripts: 5 prime UTR variant (2), intron variant (6).
Genome position (GRCh38, 1-based): chr22:29,636,875, A>C. VCF-style: chr22-29636875-A-C. GRCh37 (hg19) VCF-style: chr22-30032864-A-C.
Other names: c.125A>C, p.Lys42Thr (NM_001407053.1, NM_001407056.1); c.239A>C, p.Lys80Thr (NM_001407054.1, NM_001407057.1, NM_001407058.1 and 9 more transcripts); c.-402A>C (NM_001407065.1); c.-18A>C (NM_001407067.1); c.115-2215A>C (NM_181828.3, NM_001407055.1); c.115-5327A>C (NM_001407063.1, NM_181830.3, NM_001407064.1 and 1 more transcripts); short protein forms K42T, K80T.
Identifiers: ClinVar variation 5025704 (VCV005025704.1).
Genomic context (GRCh38, chr22:29,636,875, plus strand): 5'-GGTTCTTTGGACTGCAGTACACAATCAAGGACACAGTGGCCTGGCTCAAAATGGACAAGA[A>C]GGTTGGGCTAGAACTCGATGAAACTGGTGGGGCTGACGTGAGCTTTCCAGTTTTTCCCTG-3'
Protein context (NP_000259.1, residues 70-90): DTVAWLKMDK[Lys80Thr]VLDHDVSKEE

ClinVar aggregate classification (germline): Uncertain significance (1 of 4 stars; one submission).

Conditions:
Hereditary cancer-predisposing syndrome. Also called: Neoplastic Syndromes, Hereditary; Tumor predisposition; Hereditary neoplastic syndrome; Hereditary Cancer Syndrome. Identifiers: Orphanet 140162, MedGen C0027672, MeSH D009386, MONDO:0015356.

Submission:

Ambry Genetics
Classification: Uncertain significance for Hereditary cancer-predisposing syndrome. Last evaluated: 2026-07-21. Review status: criteria provided, single submitter. Criteria: Ambry Variant Classification Scheme 2023. Collection method: clinical testing. Allele origin: germline.
Comment: The p.K80T variant (also known as c.239A>C), located in coding exon 2 of the NF2 gene, results from an A to C substitution at nucleotide position 239. The lysine at codon 80 is replaced by threonine, an amino acid with similar properties. This amino acid position is highly conserved in available vertebrate species. In addition, this alteration is predicted to be deleterious by in silico analysis. Based on the available evidence, the clinical significance of this variant remains unclear.